The following is an entry in ClinVar:

ClinVar aggregate classification (germline): Likely pathogenic (1 of 4 stars; one submission).

Conditions:
Neurodegeneration with brain iron accumulation (NBIA). Identifiers: Orphanet 385, MedGen C2931845, MONDO:0018307.

gnomAD v4.1: 2 of 549,952 alleles (0.00036%); highest among the groups gnomAD compares: Non-Finnish European, 0.00069%; no homozygotes.

Submission:

Women's Health and Genetics/Laboratory Corporation of America, LabCorp
Classification: Likely pathogenic for Neurodegeneration with brain iron accumulation. Last evaluated: 2025-12-10. Review status: criteria provided, single submitter. Criteria: LabCorp Variant Classification Summary - May 2015. Collection method: clinical testing. Allele origin: germline.
Comment: Variant summary: PLA2G6 c.2035-274G>A is located at a position not widely known to affect splicing. Several computational tools predict a significant impact on normal splicing: Four predict the variant creates or strenthens a cryptic 5' donor site. At least one publication reports experimental evidence that this variant affects mRNA splicing, resulting in an additional transcript with an insertion expected to result in a frameshift (Cavestro_2021). The variant was absent in 115990 control chromosomes (gnomAD). c.2035-274G>A has been observed in an individual affected with Neurodegeneration With Brain Iron Accumulation (Cavestro_2021). The following publication has been ascertained in the context of this evaluation (PMID: 34387792). No submitters have cited clinical-significance assessments for this variant to ClinVar. Based on the evidence outlined above, the variant was classified as likely pathogenic.

Literature cited by the submitters: PubMed 34387792.

NM_003560.4(PLA2G6):c.2035-274G>A

Gene: PLA2G6 (phospholipase A2 group VI; minus strand). Cytogenetic location: 22q13.1.
Variant type: single nucleotide variant.
Coding change: c.2035-274G>A on transcript NM_003560.4 (MANE Select); 274 bases into the intron before coding-DNA position 2035, G replaced by A.
Molecular consequence: intron variant.
Genome position (GRCh38, 1-based): chr22:38,113,928, C>T on the plus strand (G>A on the coding strand, the complement: PLA2G6 is on the minus strand). VCF-style: chr22-38113928-C-T. GRCh37 (hg19) VCF-style: chr22-38509935-C-T.
Other names: c.1357-274G>A (NM_001349868.2); c.1873-274G>A (NM_001349866.2, NM_001199562.3, NM_001349865.2 and 1 more transcripts); c.1339-274G>A (NM_001349869.2); c.1501-274G>A (NM_001349867.2); c.2035-274G>A (NM_001349864.2).
Identifiers: ClinVar variation 4688402 (VCV004688402.1).